The following is an entry in ClinVar:

NM_002181.4(IHH):c.641G>A (p.Ser214Asn)

Gene: IHH (Indian hedgehog signaling molecule; minus strand). Cytogenetic location: 2q35.
Variant type: single nucleotide variant.
Coding change: c.641G>A on transcript NM_002181.4 (MANE Select); coding-DNA position 641, G replaced by A.
Protein change: p.Ser214Asn; replaces serine 214 with asparagine.
Molecular consequence: missense variant.
Genome position (GRCh38, 1-based): chr2:219,055,802, C>T on the plus strand (G>A on the coding strand, the complement: IHH is on the minus strand). VCF-style: chr2-219055802-C-T. GRCh37 (hg19) VCF-style: chr2-219920524-C-T.
Other names: short protein forms S214N.
Identifiers: ClinVar variation 4752924 (VCV004752924.1).
Genomic context (GRCh38, chr2:219,055,802, plus strand): 5'-TCCCCCATGGCCAGCACACGGTCTCCCGGCCTCACGGCTGACAAGGCCACACGCGCCCCA[C>T]TCTCCAGGCGTACCTGGGCTCCGGCAGGGAAGCAGCCGCCCGTCTTGGCTGCGGCCGAGT-3'
Protein context (NP_002172.2, residues 204-224): FPAGAQVRLE[Ser214Asn]GARVALSAVR

ClinVar aggregate classification (germline): Uncertain significance (1 of 4 stars; one submission).

gnomAD v4.1: 9 of 1,612,898 alleles (0.00056%); highest among the groups gnomAD compares: East Asian, 0.0089%; no homozygotes.

Submission:

Labcorp Genetics (formerly Invitae), Labcorp
Classification: Uncertain significance. Last evaluated: 2025-12-09. Review status: criteria provided, single submitter. Criteria: Invitae Variant Classification Sherloc (09022015). Collection method: clinical testing. Allele origin: germline.
Comment: This sequence change replaces serine, which is neutral and polar, with asparagine, which is neutral and polar, at codon 214 of the IHH protein (p.Ser214Asn). This variant is present in population databases (rs772975827, gnomAD 0.006%). This missense change has been observed in individual(s) with polydactyly (PMID: 34194672). Invitae Evidence Modeling of protein sequence and biophysical properties (such as structural, functional, and spatial information, amino acid conservation, physicochemical variation, residue mobility, and thermodynamic stability) indicates that this missense variant is not expected to disrupt IHH protein function with a negative predictive value of 80%. In summary, the available evidence is currently insufficient to determine the role of this variant in disease. Therefore, it has been classified as a Variant of Uncertain Significance.

Literature cited by the submitters: PubMed 34194672.